The following is an entry in ClinVar:

ClinVar aggregate classification (germline): Uncertain significance (1 of 4 stars; one submission).

Conditions:
Autosomal recessive spinocerebellar ataxia 12. Also called: SPINOCEREBELLAR ATAXIA WITH MENTAL RETARDATION AND EPILEPSY. Identifiers: Orphanet 284282, MedGen C3280452, MONDO:0013687, OMIM 614322.
Developmental and epileptic encephalopathy, 1 (DEE1). Also called: X-linked infantile spasms; West's syndrome; Tonic spasms with clustering, arrest of psychomotor development and hypsarrhythmia on EEG; X-Linked Infantile Spasm Syndrome; OHTAHARA SYNDROME, X-LINKED; INFANTILE SPASM SYNDROME, X-LINKED 1. Identifiers: MedGen C3463992, MONDO:0010632, OMIM 308350. Disease mechanism: loss of function.

Submission:

Labcorp Genetics (formerly Invitae), Labcorp
Classification: Uncertain significance for Developmental and epileptic encephalopathy, 1; Autosomal recessive spinocerebellar ataxia 12. Last evaluated: 2022-06-28. Review status: criteria provided, single submitter. Criteria: Invitae Variant Classification Sherloc (09022015). Collection method: clinical testing. Allele origin: germline.
Comment: In summary, the available evidence is currently insufficient to determine the role of this variant in disease. Therefore, it has been classified as a Variant of Uncertain Significance. Algorithms developed to predict the effect of sequence changes on RNA splicing suggest that this variant may create or strengthen a splice site. Algorithms developed to predict the effect of missense changes on protein structure and function are either unavailable or do not agree on the potential impact of this missense change (SIFT: "Not Available"; PolyPhen-2: "Probably Damaging"; Align-GVGD: "Not Available"). This variant has not been reported in the literature in individuals affected with WWOX-related conditions. This variant is not present in population databases (gnomAD no frequency). This sequence change replaces aspartic acid with glycine at codon 77 of the WWOX protein (p.Asp77Gly). The aspartic acid residue is highly conserved and there is a moderate physicochemical difference between aspartic acid and glycine.

NM_016373.4(WWOX):c.230A>G (p.Asp77Gly)

Gene: WWOX (WW domain containing oxidoreductase; plus strand). Cytogenetic location: 16q23.1.
Variant type: single nucleotide variant.
Coding change: c.230A>G on transcript NM_016373.4 (MANE Select); coding-DNA position 230, A replaced by G.
Protein change: p.Asp77Gly; replaces aspartic acid 77 with glycine.
Molecular consequence: missense variant. On other transcripts: 5 prime UTR variant (1), non-coding transcript variant (1).
Genome position (GRCh38, 1-based): chr16:78,109,835, A>G. VCF-style: chr16-78109835-A-G. GRCh37 (hg19) VCF-style: chr16-78143732-A-G.
Other names: c.-110A>G (NM_001291997.2); c.230A>G, p.Asp77Gly (NM_130791.5); short protein forms D77G.
Identifiers: ClinVar variation 1463070 (VCV001463070.4), dbSNP rs2032385595, ClinGen allele CA396842266.